The following is an entry in ClinVar:

ClinVar aggregate classification (germline): Uncertain significance. Review status: criteria provided, multiple submitters, no conflicts (2 of 4 stars). 5 submissions from 2 submitters: Uncertain significance (5). Last evaluated 2018-01-13.

Conditions:
Transitory neonatal diabetes mellitus. Also called: Transient neonatal diabetes mellitus. Identifiers: MedGen C0342273, MONDO:0020525, HP:0008255.
Maturity-onset diabetes of the young (MODY). Also called: Maturity onset diabetes mellitus in young. Identifiers: Orphanet 552, MedGen C0342276, MONDO:0018911, HP:0004904.
Diabetes mellitus, transient neonatal, 2 (TNDM2). Identifiers: Orphanet 99886, MedGen C1835887, MONDO:0012480, OMIM 610374. Disease mechanism: loss of function.
Hyperinsulinemic hypoglycemia, familial, 1 (HHF1). Also called: Persistent hyperinsulinemic hypoglycemia of infancy; Persistent Hyperinsulinemia Hypoglycemia of Infancy; HYPERINSULINISM, FAMILIAL, WITH PANCREATIC NESIDIOBLASTOSIS; HYPOGLYCEMIA, HYPERINSULINEMIC, OF INFANCY; NESIDIOBLASTOSIS OF PANCREAS. Identifiers: Orphanet 276575, Orphanet 276598, MedGen C2931832, MONDO:0009734, OMIM 256450.
Permanent neonatal diabetes mellitus (PNDM). Identifiers: Orphanet 99885, MedGen C1833104, MONDO:0100164, MONDO:0011643. Disease mechanism: gain of function.

Allele frequency attached by ClinVar (database versions not stated): TOPMed below 0.00001.

Submissions (5):

Illumina Laboratory Services, Illumina
Classification: Uncertain significance for Hyperinsulinemic hypoglycemia, familial, 1. Last evaluated: 2018-01-13. Review status: criteria provided, single submitter. Criteria: ICSL Variant Classification Criteria 13 December 2019. Collection method: clinical testing. Allele origin: germline.

Illumina Laboratory Services, Illumina
Classification: Uncertain significance for Diabetes mellitus, transient neonatal, 2. Last evaluated: 2018-01-13. Review status: criteria provided, single submitter. Criteria: ICSL Variant Classification Criteria 13 December 2019. Collection method: clinical testing. Allele origin: germline.

Illumina Laboratory Services, Illumina
Classification: Uncertain significance for Permanent neonatal diabetes mellitus 1. Last evaluated: 2018-01-13. Review status: criteria provided, single submitter. Criteria: ICSL Variant Classification Criteria 13 December 2019. Collection method: clinical testing. Allele origin: germline.

Clinical Genomics, Uppaluri K&H Personalized Medicine Clinic
Classification: Uncertain significance for Maturity-onset diabetes of the young. Review status: criteria provided, single submitter. Criteria: K & H Uppaluri Personalized Medicine Clinic Variant Classification & Assertion Criteria_Updated V.1. Collection method: research. Allele origin: unknown. Inheritance: Somatic mutation.
Comment: Mutations in ABCC8 gene are associated with both neonatal diabetes mellitus as well as MODY. Patients with this mutation may have a better response to sulfonylureas. However, no sufficient evidence is found to ascertain the role of this particular variant ( rs1433841842) in MODY yet.

Clinical Genomics, Uppaluri K&H Personalized Medicine Clinic
Classification: Uncertain significance for Transitory neonatal diabetes mellitus. Review status: criteria provided, single submitter. Criteria: K & H Uppaluri Personalized Medicine Clinic Variant Classification & Assertion Criteria_Updated V.1. Collection method: research. Allele origin: unknown. Inheritance: Somatic mutation.
Comment: Mutations in ABCC8 gene are associated with both neonatal diabetes mellitus as well as MODY. Patients with this mutation may have a better response to sulfonylureas. However, no sufficient evidence is found to ascertain the role of this particular variant ( rs1433841842) in neonatal diabetes yet.

Literature cited by the submitters: PubMed 16885549 (cited by Clinical Genomics, Uppaluri K&H Personalized Medicine Clinic); PubMed 21989597 (cited by Clinical Genomics, Uppaluri K&H Personalized Medicine Clinic); PubMed 27538677 (cited by Clinical Genomics, Uppaluri K&H Personalized Medicine Clinic); PubMed 18981553 (cited by Clinical Genomics, Uppaluri K&H Personalized Medicine Clinic); PubMed 32027066 (cited by Clinical Genomics, Uppaluri K&H Personalized Medicine Clinic); PubMed 16613899 (cited by Clinical Genomics, Uppaluri K&H Personalized Medicine Clinic); PubMed 18025408 (cited by Clinical Genomics, Uppaluri K&H Personalized Medicine Clinic); PubMed 32792356 (cited by Clinical Genomics, Uppaluri K&H Personalized Medicine Clinic).

NM_000352.6(ABCC8):c.734T>C (p.Ile245Thr)

Gene: ABCC8 (ATP binding cassette subfamily C member 8; minus strand). Cytogenetic location: 11p15.1.
Variant type: single nucleotide variant.
Coding change: c.734T>C on transcript NM_000352.6 (MANE Select); coding-DNA position 734, T replaced by C.
Protein change: p.Ile245Thr; replaces isoleucine 245 with threonine.
Molecular consequence: missense variant. On other transcripts: non-coding transcript variant (1).
Genome position (GRCh38, 1-based): chr11:17,461,671, A>G on the plus strand (T>C on the coding strand, the complement: ABCC8 is on the minus strand). VCF-style: chr11-17461671-A-G. GRCh37 (hg19) VCF-style: chr11-17483218-A-G.
Other names: c.734T>C, p.Ile245Thr (NM_001287174.3, NM_001351295.2, NM_001351296.2 and 1 more transcripts); short protein forms I245T.
Identifiers: ClinVar variation 877361 (VCV000877361.5), dbSNP rs1433841842, ClinGen allele CA379778450.